The following is an entry in ClinVar:

ClinVar aggregate classification (germline): Uncertain significance (1 of 4 stars; one submission).

Submission:

Labcorp Genetics (formerly Invitae), Labcorp
Classification: Uncertain significance. Last evaluated: 2024-03-16. Review status: criteria provided, single submitter. Criteria: Invitae Variant Classification Sherloc (09022015). Collection method: clinical testing. Allele origin: germline.
Comment: This sequence change replaces proline, which is neutral and non-polar, with alanine, which is neutral and non-polar, at codon 943 of the MBTPS1 protein (p.Pro943Ala). This variant is not present in population databases (gnomAD no frequency). This variant has not been reported in the literature in individuals affected with MBTPS1-related conditions. ClinVar contains an entry for this variant (Variation ID: 2088086). An algorithm developed to predict the effect of missense changes on protein structure and function (PolyPhen-2) suggests that this variant is likely to be disruptive. In summary, the available evidence is currently insufficient to determine the role of this variant in disease. Therefore, it has been classified as a Variant of Uncertain Significance.

NM_003791.4(MBTPS1):c.2827C>G (p.Pro943Ala)

Gene: MBTPS1 (membrane bound transcription factor peptidase, site 1; minus strand). Cytogenetic location: 16q23.3.
Variant type: single nucleotide variant.
Coding change: c.2827C>G on transcript NM_003791.4 (MANE Select); coding-DNA position 2827, C replaced by G.
Protein change: p.Pro943Ala; replaces proline 943 with alanine.
Molecular consequence: missense variant.
Genome position (GRCh38, 1-based): chr16:84,059,306, G>C on the plus strand (C>G on the coding strand, the complement: MBTPS1 is on the minus strand). VCF-style: chr16-84059306-G-C. GRCh37 (hg19) VCF-style: chr16-84092911-G-C.
Other names: short protein forms P943A.
Identifiers: ClinVar variation 2088086 (VCV002088086.4), dbSNP rs2507718880, ClinGen allele CA396925215.